The following is an entry in ClinVar:

ClinVar aggregate classification (germline): Uncertain significance. Review status: criteria provided, multiple submitters, no conflicts (2 of 4 stars). 2 submissions from 2 submitters: Uncertain significance (2). Last evaluated 2026-03-26.

Conditions:
Inborn genetic diseases. Identifiers: MedGen C0950123, MeSH D030342.
Kleefstra syndrome 1 (KLEFS1). Identifiers: Orphanet 261494, MedGen C0795833, MONDO:0027407, OMIM 610253.

Submissions (2):

Ambry Genetics
Classification: Uncertain significance for Inborn genetic diseases. Last evaluated: 2026-03-26. Review status: criteria provided, single submitter. Criteria: Ambry Variant Classification Scheme 2023. Collection method: clinical testing. Allele origin: germline.

Labcorp Genetics (formerly Invitae), Labcorp
Classification: Uncertain significance for Kleefstra syndrome 1. Last evaluated: 2025-03-16. Review status: criteria provided, single submitter. Criteria: Invitae Variant Classification Sherloc (09022015). Collection method: clinical testing. Allele origin: germline.
Comment: This sequence change replaces tryptophan, which is neutral and slightly polar, with cysteine, which is neutral and slightly polar, at codon 1083 of the EHMT1 protein (p.Trp1083Cys). This variant is not present in population databases (gnomAD no frequency). This variant has not been reported in the literature in individuals affected with EHMT1-related conditions. ClinVar contains an entry for this variant (Variation ID: 2102918). Invitae Evidence Modeling of protein sequence and biophysical properties (such as structural, functional, and spatial information, amino acid conservation, physicochemical variation, residue mobility, and thermodynamic stability) indicates that this missense variant is expected to disrupt EHMT1 protein function with a positive predictive value of 80%. In summary, the available evidence is currently insufficient to determine the role of this variant in disease. Therefore, it has been classified as a Variant of Uncertain Significance.

NM_024757.5(EHMT1):c.3249G>C (p.Trp1083Cys)

Gene: EHMT1 (euchromatic histone lysine methyltransferase 1; plus strand). Cytogenetic location: 9q34.3.
Variant type: single nucleotide variant.
Coding change: c.3249G>C on transcript NM_024757.5 (MANE Select); coding-DNA position 3249, G replaced by C.
Protein change: p.Trp1083Cys; replaces tryptophan 1083 with cysteine.
Molecular consequence: missense variant.
Genome position (GRCh38, 1-based): chr9:137,814,499, G>C. VCF-style: chr9-137814499-G-C. GRCh37 (hg19) VCF-style: chr9-140708951-G-C.
Other names: c.3249G>C (NM_024757.4); c.3228G>C, p.Trp1076Cys (NM_001354263.2); short protein forms W1076C, W1083C.
Identifiers: ClinVar variation 2102918 (VCV002102918.5), dbSNP rs1954765709, ClinGen allele CA375795053.